The following is an entry in ClinVar:

ClinVar aggregate classification (germline): Uncertain significance. Review status: criteria provided, multiple submitters, no conflicts (2 of 4 stars). 2 submissions from 2 submitters: Uncertain significance (2). Last evaluated 2025-04-21.

Conditions:
Inborn genetic diseases. Identifiers: MedGen C0950123, MeSH D030342.

Allele frequency attached by ClinVar (database versions not stated): gnomAD exomes below 0.00001 and 0.00001; ExAC 0.00001; gnomAD below 0.00001 and 0.00001; TOPMed 0.00001.
gnomAD v4.1: 14 of 1,614,120 alleles (0.00087%); highest among the groups gnomAD compares: South Asian, 0.0011%; no homozygotes.

Submissions (2):

Labcorp Genetics (formerly Invitae), Labcorp
Classification: Uncertain significance. Last evaluated: 2025-04-21. Review status: criteria provided, single submitter. Criteria: Invitae Variant Classification Sherloc (09022015). Collection method: clinical testing. Allele origin: germline.
Comment: This sequence change replaces serine, which is neutral and polar, with leucine, which is neutral and non-polar, at codon 1263 of the TRRAP protein (p.Ser1263Leu). This variant is present in population databases (rs782296505, gnomAD 0.003%). This variant has not been reported in the literature in individuals affected with TRRAP-related conditions. ClinVar contains an entry for this variant (Variation ID: 985557). Invitae Evidence Modeling of protein sequence and biophysical properties (such as structural, functional, and spatial information, amino acid conservation, physicochemical variation, residue mobility, and thermodynamic stability) indicates that this missense variant is not expected to disrupt TRRAP protein function with a negative predictive value of 80%. In summary, the available evidence is currently insufficient to determine the role of this variant in disease. Therefore, it has been classified as a Variant of Uncertain Significance.

Ambry Genetics
Classification: Uncertain significance for Inborn genetic diseases. Last evaluated: 2019-05-04. Review status: criteria provided, single submitter. Criteria: Ambry exome assertion method (8-5-2015). Collection method: clinical testing. Allele origin: germline. Affected: yes. Observed: 1 variant allele.

NM_001375524.1(TRRAP):c.3788C>T (p.Ser1263Leu)

Gene: TRRAP (transformation/transcription domain associated protein; plus strand). Cytogenetic location: 7q22.1.
Variant type: single nucleotide variant.
Coding change: c.3788C>T on transcript NM_001375524.1 (MANE Select); coding-DNA position 3788, C replaced by T.
Protein change: p.Ser1263Leu; replaces serine 1263 with leucine.
Molecular consequence: missense variant.
Genome position (GRCh38, 1-based): chr7:98,931,601, C>T. VCF-style: chr7-98931601-C-T. GRCh37 (hg19) VCF-style: chr7-98529224-C-T.
Other names: c.3788C>T, p.Ser1263Leu (NM_003496.4, NM_001244580.2); short protein forms S1263L.
Identifiers: ClinVar variation 985557 (VCV000985557.5), dbSNP rs782296505, ClinGen allele CA4360060.